The following is an entry in ClinVar:

ClinVar aggregate classification (germline): Uncertain significance (1 of 4 stars; one submission).

Conditions:
EIF4G1-related disorder. Also called: EIF4G1-related condition.

gnomAD v4.1: 23 of 1,614,058 alleles (0.0014%); highest among the groups gnomAD compares: East Asian, 0.047%; no homozygotes.

Submission:

PreventionGenetics, part of Exact Sciences
Classification: Uncertain significance for EIF4G1-related condition. Last evaluated: 2025-03-25. Review status: criteria provided, single submitter. Criteria: ACMG Guidelines, 2015. Collection method: clinical testing. Allele origin: germline.
Comment: The EIF4G1 c.3106C>T variant is predicted to result in the amino acid substitution p.Pro1036Ser. This variant has been reported as a variant of uncertain significance in individuals with Parkinson’s disease (referred to as p.P1037S in Table S3, Yang et al. 2018. PubMed ID: 30598256; referred to as c.3127C>T, p.P1043S in the alternate transcript NM_001194946.1 in Liu et al. 2022. PubMed ID: 36150414). This variant is reported in 0.14% of alleles in individuals of East Asian descent in gnomAD. At this time, the clinical significance of this variant is uncertain due to the absence of conclusive functional and genetic evidence.

NM_198241.3(EIF4G1):c.3106C>T (p.Pro1036Ser)

Gene: EIF4G1 (eukaryotic translation initiation factor 4 gamma 1; plus strand). Cytogenetic location: 3q27.1.
Variant type: single nucleotide variant.
Coding change: c.3106C>T on transcript NM_198241.3 (MANE Select); coding-DNA position 3106, C replaced by T.
Protein change: p.Pro1036Ser; replaces proline 1036 with serine.
Molecular consequence: missense variant.
Genome position (GRCh38, 1-based): chr3:184,325,624, C>T. VCF-style: chr3-184325624-C-T. GRCh37 (hg19) VCF-style: chr3-184043412-C-T.
Other names: c.3127C>T, p.Pro1043Ser (NM_001194946.2, NM_001194947.2); c.2986C>T, p.Pro996Ser (NM_001291157.2); c.2521C>T, p.Pro841Ser (NM_004953.5); c.3109C>T, p.Pro1037Ser (NM_182917.4); c.2614C>T, p.Pro872Ser (NM_198242.3); c.2845C>T, p.Pro949Ser (NM_198244.3); short protein forms P1036S, P996S, P1043S, P1037S, P841S, P872S, P949S.
Identifiers: ClinVar variation 4990814 (VCV004990814.1).